The following is an entry in ClinVar:

NM_001349253.2(SCN11A):c.3655A>G (p.Ile1219Val)

Genes: SCN11A (sodium voltage-gated channel alpha subunit 11; minus strand), LOC126806652 (CDK7 strongly-dependent group 2 enhancer GRCh37_chr3:38912374-38913573; plus strand). Cytogenetic location: 3p22.2.
Variant type: single nucleotide variant.
Coding change: c.3655A>G on transcript NM_001349253.2 (MANE Select); coding-DNA position 3655, A replaced by G.
Protein change: p.Ile1219Val; replaces isoleucine 1219 with valine.
Molecular consequence: missense variant.
Genome position (GRCh38, 1-based): chr3:38,871,549, T>C on the plus strand (A>G on the coding strand, the complement: SCN11A is on the minus strand). VCF-style: chr3-38871549-T-C. GRCh37 (hg19) VCF-style: chr3-38913040-T-C.
Other names: c.3655A>G, p.Ile1219Val (NM_014139.3); short protein forms I1219V.
Identifiers: ClinVar variation 1489622 (VCV001489622.6), dbSNP rs2126095930, ClinGen allele CA352170607.

ClinVar aggregate classification (germline): Uncertain significance (1 of 4 stars; one submission).

Conditions:
Familial episodic pain syndrome with predominantly lower limb involvement. Also called: Episodic pain syndrome, familial, 3. Identifiers: Orphanet 391384, Orphanet 391392, MedGen C3809899, MONDO:0014247, OMIM 615552.
Hereditary sensory and autonomic neuropathy type 7. Also called: HSAN VII; Neuropathy, hereditary sensory and autonomic, type VII. Identifiers: Orphanet 391397, MedGen C3809882, MONDO:0014244, OMIM 615548.

Allele frequency attached by ClinVar (database versions not stated): gnomAD exomes below 0.00001.
gnomAD v4.1: 2 of 1,612,890 alleles (0.00012%); highest among the groups gnomAD compares: East Asian, 0.0022%; no homozygotes.

Submission:

Labcorp Genetics (formerly Invitae), Labcorp
Classification: Uncertain significance for Familial episodic pain syndrome with predominantly lower limb involvement; Hereditary sensory and autonomic neuropathy type 7. Last evaluated: 2023-08-17. Review status: criteria provided, single submitter. Criteria: Invitae Variant Classification Sherloc (09022015). Collection method: clinical testing. Allele origin: germline.
Comment: In summary, the available evidence is currently insufficient to determine the role of this variant in disease. Therefore, it has been classified as a Variant of Uncertain Significance. Advanced modeling of protein sequence and biophysical properties (such as structural, functional, and spatial information, amino acid conservation, physicochemical variation, residue mobility, and thermodynamic stability) performed at Invitae indicates that this missense variant is not expected to disrupt SCN11A protein function. ClinVar contains an entry for this variant (Variation ID: 1489622). This variant has not been reported in the literature in individuals affected with SCN11A-related conditions. This variant is not present in population databases (gnomAD no frequency). This sequence change replaces isoleucine, which is neutral and non-polar, with valine, which is neutral and non-polar, at codon 1219 of the SCN11A protein (p.Ile1219Val).